The following is an entry in ClinVar:

NM_000023.4(SGCA):c.700G>A (p.Asp234Asn)

Gene: SGCA (sarcoglycan alpha; plus strand). Cytogenetic location: 17q21.33.
Variant type: single nucleotide variant.
Coding change: c.700G>A on transcript NM_000023.4 (MANE Select); coding-DNA position 700, G replaced by A.
Protein change: p.Asp234Asn; replaces aspartic acid 234 with asparagine.
Molecular consequence: missense variant. On other transcripts: non-coding transcript variant (1), intron variant (1).
Genome position (GRCh38, 1-based): chr17:50,169,207, G>A. VCF-style: chr17-50169207-G-A. GRCh37 (hg19) VCF-style: chr17-48246568-G-A.
Other names: NM_000023.4(SGCA):c.700G>A; p.Asp234Asn; c.584+635G>A (NM_001135697.3); c.700G>A (NM_000023.3); short protein forms D234N.
Identifiers: ClinVar variation 198031 (VCV000198031.27), dbSNP rs760608643, ClinGen allele CA246512.
Genomic context (GRCh38, chr17:50,169,207, plus strand): 5'-GCATCCCCCGATAGCCACGCCCGCTGTGCCCAGGGCCAGCCTCCACTTCTGTCTTGCTAC[G>A]ACACCTTGGCACCCCACTTCCGCGTTGACTGGTGCAATGTGACCCTGGTGAGGAGGGACC-3'
Protein context (NP_000014.1, residues 224-244): QGQPPLLSCY[Asp234Asn]TLAPHFRVDW

ClinVar aggregate classification (germline): Likely pathogenic. Review status: reviewed by expert panel (3 of 4 stars). 9 submissions from 9 submitters: Likely pathogenic (1). 8 of the submissions do not count toward it. Last evaluated 2025-01-07.

Conditions:
Autosomal recessive limb-girdle muscular dystrophy type 2D (LGMDR3). Also called: DUCHENNE-LIKE AUTOSOMAL RECESSIVE MUSCULAR DYSTROPHY, TYPE 2; ADHALINOPATHY, PRIMARY; MUSCULAR DYSTROPHY, LIMB-GIRDLE, AUTOSOMAL RECESSIVE 3. Identifiers: Orphanet 62, MedGen C2936332, MONDO:0011968, OMIM 608099. Disease mechanism: Affects gamma-sarcoglycan and also disrupts the integrity of the entire sarcoglycan complex..
Autosomal recessive limb-girdle muscular dystrophy. Identifiers: Orphanet 102015, MedGen C2931907, MONDO:0015152.

Allele frequency attached by ClinVar (database versions not stated): gnomAD 0.00001; gnomAD exomes 0.00002 and 0.00008; TOPMed 0.00002; ExAC 0.00009.
gnomAD v4.1: 27 of 1,613,830 alleles (0.0017%); highest among the groups gnomAD compares: Admixed American, 0.038%; no homozygotes.

Submissions (9):

ClinGen Limb Girdle Muscular Dystrophy Variant Curation Expert Panel, ClinGen
Classification: Likely pathogenic for Autosomal recessive limb-girdle muscular dystrophy. Last evaluated: 2025-01-07. Review status: reviewed by expert panel. Criteria: ClinGen LGMD VCEP ACMG Specifications SGCA V1.0.0. Collection method: curation. Allele origin: germline. Inheritance: Autosomal recessive inheritance.
Comment: The NM_000023.4: c.700G>A variant in SGCA is a missense variant predicted to cause substitution of aspartic acid by asparagine at amino acid 234 (p.Asp234Asn). This variant has been detected in at least three individuals with autosomal recessive limb girdle muscular dystrophy, including in a homozygous state in two patients (1.0 pt, ClinVar SCV000769867.5 internal data communication) and in unknown phase with a variant classified as at least likely pathogenic (c.100C>T (p.Arg34Cys), 0.25 pts, Washington University internal clinic data communication) (PM3). At least one patient with this variant displayed progressive limb girdle muscle weakness as well as absent expression of alpha-sarcoglycan protein in skeletal muscle, which is highly specific for SGCA-related LGMD (PP4_Strong, Washington University internal clinic data communication). The highest minor allele frequency of this variant is 0.0005498 (19/34560 exome chromosomes) in the Admixed American population in gnomAD v2.1.1 (PM2_Supporting, BS1 not met). The computational predictor REVEL gives a score of 0.491 (BP4, PP3 not met). In summary, this variant meets the criteria to be classified as Likely Pathogenic for autosomal recessive limb girdle muscular dystrophy based on the ACMG/AMP criteria applied, as specified by the ClinGen LGMD VCEP (LGMD VCEP specifications version 1.0.0; 01/07/2025)(LGMD VCEP specifications version 1.0.0; 01/07/2025): PM3, PP4_Strong.

Women's Health and Genetics/Laboratory Corporation of America, LabCorp
Classification: Likely pathogenic for Autosomal recessive limb-girdle muscular dystrophy. Last evaluated: 2026-06-23. Review status: criteria provided, single submitter. Criteria: LabCorp Variant Classification Summary - May 2015. Collection method: clinical testing. Allele origin: germline. Not counted in ClinVar's aggregate classification.
Comment: Variant summary: SGCA c.700G>A (p.Asp234Asn) results in a conservative amino acid change in the encoded protein sequence. Algorithms developed to predict the effect of missense changes on protein structure and function are either unavailable or do not agree on the potential impact of this missense change. The variant allele was found at a frequency of 7.6e-05 in 251274 control chromosomes. This frequency is not significantly higher than estimated for disease-causing variants in SGCA, allowing no conclusion about variant significance. c.700G>A has been observed in the homozygous and presumed compound heterozygous states in multiple individual(s) affected with clinical and biochemical features of Limb-Girdle Muscular Dystrophy, Autosomal Recessive (example, Bevilacqua_2024, Alonso-Perez_2020, external data, internal data). These data indicate that the variant is likely to be associated with disease. To our knowledge, no experimental evidence demonstrating an impact on protein function has been reported, however at least 1 individual carrying a pathogenic variant likely trans was noted to have severely reduced levels of alpha sarcoglycan protein (internal data). The following publications have been ascertained in the context of this evaluation (PMID: 39678382, 32875335). ClinVar contains an entry for this variant (Variation ID: 198031). Based on the evidence outlined above, the variant was classified as likely pathogenic.

Labcorp Genetics (formerly Invitae), Labcorp
Classification: Uncertain significance for Autosomal recessive limb-girdle muscular dystrophy type 2D. Last evaluated: 2025-04-17. Review status: criteria provided, single submitter. Criteria: Invitae Variant Classification Sherloc (09022015). Collection method: clinical testing. Allele origin: germline. Not counted in ClinVar's aggregate classification.
Comment: This sequence change replaces aspartic acid, which is acidic and polar, with asparagine, which is neutral and polar, at codon 234 of the SGCA protein (p.Asp234Asn). This variant is present in population databases (rs760608643, gnomAD 0.06%). This missense change has been observed in individual(s) with clinical features of SGCA-related conditions (PMID: 32875335). ClinVar contains an entry for this variant (Variation ID: 198031). Invitae Evidence Modeling of protein sequence and biophysical properties (such as structural, functional, and spatial information, amino acid conservation, physicochemical variation, residue mobility, and thermodynamic stability) indicates that this missense variant is expected to disrupt SGCA protein function with a positive predictive value of 95%. In summary, the available evidence is currently insufficient to determine the role of this variant in disease. Therefore, it has been classified as a Variant of Uncertain Significance.

Revvity Omics, Revvity
Classification: Likely pathogenic for Autosomal recessive limb-girdle muscular dystrophy type 2D. Last evaluated: 2025-03-10. Review status: criteria provided, single submitter. Criteria: ACMG Guidelines, 2015. Collection method: clinical testing. Allele origin: germline. Not counted in ClinVar's aggregate classification.

GeneDx
Classification: Uncertain significance. Last evaluated: 2023-06-22. Review status: criteria provided, single submitter. Criteria: GeneDx Variant Classification Process June 2021. Collection method: clinical testing. Allele origin: germline. Affected: yes. Not counted in ClinVar's aggregate classification.
Comment: Observed in a patient with sarcoglycanopathy in published literature; however, no further clinical information is available (Alonso-Prez et al., 2020); In silico analysis supports that this missense variant does not alter protein structure/function; This variant is associated with the following publications: (PMID: 29802408, 32875335)

Genome-Nilou Lab
Classification: Uncertain significance for Autosomal recessive limb-girdle muscular dystrophy type 2D. Last evaluated: 2023-02-08. Review status: criteria provided, single submitter. Criteria: ACMG Guidelines, 2015. Collection method: clinical testing. Allele origin: germline. Not counted in ClinVar's aggregate classification.

Fulgent Genetics
Classification: Uncertain significance for Autosomal recessive limb-girdle muscular dystrophy type 2D. Last evaluated: 2021-07-11. Review status: criteria provided, single submitter. Criteria: ACMG Guidelines, 2015. Collection method: clinical testing. Allele origin: unknown. Not counted in ClinVar's aggregate classification.

Eurofins Ntd Llc (ga)
Classification: Uncertain significance. Last evaluated: 2017-06-13. Review status: criteria provided, single submitter. Criteria: EGL Classification Definitions 2015. Collection method: clinical testing. Allele origin: germline. Observed: 3 variant alleles, 2 heterozygotes, 1 homozygote. Not counted in ClinVar's aggregate classification.

Natera, Inc.
Classification: Uncertain significance for Limb-girdle muscular dystrophy type 2D. Last evaluated: 2020-09-16. Review status: no assertion criteria provided. Collection method: clinical testing. Allele origin: germline. Not counted in ClinVar's aggregate classification.

Literature cited by the submitters: PubMed 32875335 (cited by Women's Health and Genetics/Laboratory Corporation of America, LabCorp and Labcorp Genetics (formerly Invitae), Labcorp); PubMed 39678382 (cited by Women's Health and Genetics/Laboratory Corporation of America, LabCorp).